The following is an entry in ClinVar:

NM_172107.4(KCNQ2):c.1811G>A (p.Arg604His)

Gene: KCNQ2 (potassium voltage-gated channel subfamily Q member 2; minus strand). Cytogenetic location: 20q13.33.
Variant type: single nucleotide variant.
Coding change: c.1811G>A on transcript NM_172107.4 (MANE Select); coding-DNA position 1811, G replaced by A.
Protein change: p.Arg604His; replaces arginine 604 with histidine.
Molecular consequence: missense variant.
Genome position (GRCh38, 1-based): chr20:63,408,489, C>T on the plus strand (G>A on the coding strand, the complement: KCNQ2 is on the minus strand). VCF-style: chr20-63408489-C-T. GRCh37 (hg19) VCF-style: chr20-62039842-C-T.
Other names: c.1865G>A (NM_001382235.1); c.1727G>A, p.Arg576His (NM_004518.6); c.1757G>A, p.Arg586His (NM_172106.3); c.1718G>A, p.Arg573His (NM_172108.5); short protein forms R604H, R586H, R573H, R576H.
Identifiers: ClinVar variation 568566 (VCV000568566.14), dbSNP rs1203495492, ClinGen allele CA409640355.

ClinVar aggregate classification (germline): Uncertain significance. Review status: criteria provided, single submitter (1 of 4 stars). 2 submissions from 2 submitters: Uncertain significance (1). 1 of the submissions does not count toward it. Last evaluated 2025-02-17.

Conditions:
Early-infantile DEE. Also called: Ohtahara syndrome; Early infantile epileptic encephalopathy with suppression bursts; Early infantile epileptic encephalopathy. Identifiers: Orphanet 1934, MedGen C0393706, MONDO:0800491.
Developmental and epileptic encephalopathy, 7 (DEE7). Also called: KCNQ2-Related Neonatal Epileptic Encephalopathy; Early infantile epileptic encephalopathy 7; KCNQ2-Related Neonatal-Onset Developmental and Epileptic Encephalopathy (NEO-DEE). Identifiers: Orphanet 439218, MedGen C3150986, MONDO:0013387, OMIM 613720.

Allele frequency attached by ClinVar (database versions not stated): TOPMed below 0.00001; gnomAD exomes 0.00001; gnomAD 0.00002.

Submissions (2):

Labcorp Genetics (formerly Invitae), Labcorp
Classification: Uncertain significance for Early-infantile DEE. Last evaluated: 2025-02-17. Review status: criteria provided, single submitter. Criteria: Invitae Variant Classification Sherloc (09022015). Collection method: clinical testing. Allele origin: germline.
Comment: This sequence change replaces arginine, which is basic and polar, with histidine, which is basic and polar, at codon 604 of the KCNQ2 protein (p.Arg604His). This variant is present in population databases (no rsID available, gnomAD 0.06%). This variant has not been reported in the literature in individuals affected with KCNQ2-related conditions. ClinVar contains an entry for this variant (Variation ID: 568566). Invitae Evidence Modeling of protein sequence and biophysical properties (such as structural, functional, and spatial information, amino acid conservation, physicochemical variation, residue mobility, and thermodynamic stability) indicates that this missense variant is expected to disrupt KCNQ2 protein function with a positive predictive value of 95%. In summary, the available evidence is currently insufficient to determine the role of this variant in disease. Therefore, it has been classified as a Variant of Uncertain Significance.

Clinical Genetics Laboratory, University Hospital Schleswig-Holstein
Classification: Likely pathogenic for Developmental and epileptic encephalopathy, 7. Last evaluated: 2021-10-19. Review status: no assertion criteria provided. Collection method: clinical testing. Allele origin: germline. Affected: yes. Not counted in ClinVar's aggregate classification.